The following is an entry in ClinVar:

ClinVar aggregate classification (germline): Pathogenic (1 of 4 stars; one submission).

Conditions:
TP63-Related Spectrum Disorders.

Submission:

Labcorp Genetics (formerly Invitae), Labcorp
Classification: Pathogenic for TP63-Related Spectrum Disorders. Last evaluated: 2019-10-29. Review status: criteria provided, single submitter. Criteria: Invitae Variant Classification Sherloc (09022015). Collection method: clinical testing. Allele origin: germline.
Comment: This sequence change affects an acceptor splice site in intron 10 of the TP63 gene. It is expected to disrupt RNA splicing and likely results in an absent or disrupted protein product. This variant is not present in population databases (ExAC no frequency). This variant has been observed in individual(s) with clinical features of TP63-related conditions (PMID: 12161593, Invitae). It has also been observed to segregate with disease in related individuals. Experimental studies have shown that this variant disrupts mRNA splicing (PMID: 12161593). The current clinical and genetic evidence is not sufficient to establish whether loss-of-function variants in TP63 cause disease. For these reasons, this variant has been classified as Pathogenic.

Literature cited by the submitters: PubMed 12161593.

NM_003722.5(TP63):c.1350-2A>G

Gene: TP63 (tumor protein p63; plus strand). Cytogenetic location: 3q28.
Variant type: single nucleotide variant.
Coding change: c.1350-2A>G on transcript NM_003722.5 (MANE Select); the canonical splice acceptor site of the intron before coding-DNA position 1350, A replaced by G.
Molecular consequence: splice acceptor variant.
Genome position (GRCh38, 1-based): chr3:189,886,392, A>G. VCF-style: chr3-189886392-A-G. GRCh37 (hg19) VCF-style: chr3-189604181-A-G.
Other names: c.1344-2A>G (NM_001329964.2); c.1350-2A>G (NM_001114978.2, NM_001329144.2); c.1338-2A>G (NM_001329148.2); c.1068-2A>G (NM_001114980.2, NM_001114981.2, NM_001329145.2); c.1056-2A>G (NM_001329149.2); c.813-2A>G (NM_001329146.2); c.801-2A>G (NM_001329150.2).
Identifiers: ClinVar variation 576556 (VCV000576556.2), dbSNP rs1560301690, ClinGen allele CA355757241.
Genomic context (GRCh38, chr3:189,886,392, plus strand): 5'-ATCAATAGTCCCCACTCTTCAGTGTCCCTTGCTCACCATTATTTCCATGTTTGTCTTCCT[A>G]GGACCTCAATACAGTCTCCATCTTCATATGGTAACAGCTCCCCACCTCTGAACAAAATGA-3'